The following is an entry in ClinVar:

ClinVar aggregate classification (germline): Uncertain significance (1 of 4 stars; one submission).

Conditions:
TEK-related disorder. Also called: TEK-related condition.

Submission:

PreventionGenetics, part of Exact Sciences
Classification: Uncertain significance for TEK-related condition. Last evaluated: 2023-09-13. Review status: criteria provided, single submitter. Criteria: ACMG Guidelines, 2015. Collection method: clinical testing. Allele origin: germline.
Comment: The TEK c.453_455delAGA variant is predicted to result in an in-frame deletion (p.Glu151del). To our knowledge, this variant has not been reported in the literature or in a large population database, indicating this variant is rare. At this time, the clinical significance of this variant is uncertain due to the absence of conclusive functional and genetic evidence.

NM_000459.5(TEK):c.447AGA[2] (p.Glu151del)

Gene: TEK (TEK receptor tyrosine kinase; plus strand). Cytogenetic location: 9p21.2.
Variant type: Microsatellite.
Coding change: c.447AGA[2] on transcript NM_000459.5 (MANE Select); two copies in a row of the 3-base unit AGA starting at c.447; the reference has three copies in a row; one copy, 3 bases deleted.
Protein change: p.Glu151del; deletes glutamic acid 151.
Molecular consequence: inframe deletion. On other transcripts: inframe indel (2).
Genome position (GRCh38, 1-based): chr9:27,168,583-27,168,585, AGA deleted; deleting any 3 consecutive bases within chr9:27,168,576-27,168,585 gives the same sequence; the position shown is the placement nearest the transcript's 3' end. VCF-style (leftmost placement, unchanged base first): chr9-27168575-AAAG-A. GRCh37 (hg19) VCF-style: chr9-27168573-AAAG-A.
Other names: c.447_449AGA[2], p.Glu151del (NM_001290077.2); c.135_137AGA[2], p.Glu47del (NM_001290078.2); c.447AGA[2], p.Glu151del (NM_001375475.1, NM_001375476.1); short protein forms E151del, E47del.
Identifiers: ClinVar variation 2631025 (VCV002631025.1), dbSNP rs1823828544, ClinGen allele CA1842014901.